The following is an entry in ClinVar:

NM_006295.3(VARS1):c.2821_2825del (p.Asn941fs)

Gene: VARS1 (valyl-tRNA synthetase 1; minus strand). Cytogenetic location: 6p21.33.
Variant type: Deletion.
Coding change: c.2821_2825del on transcript NM_006295.3 (MANE Select); coding-DNA positions 2821 to 2825, 5 bases deleted (AACCG; older notation c.2821_2825delAACCG).
Protein change: p.Asn941fs; shifts the reading frame from asparagine 941.
Molecular consequence: frameshift variant.
Genome position (GRCh38, 1-based): chr6:31,780,541-31,780,545, CGGTT deleted on the plus strand (AACCG on the coding strand, the reverse complement: VARS1 is on the minus strand); deleting any 5 consecutive bases within chr6:31,780,541-31,780,546 gives the same sequence; the c. name uses the placement nearest the transcript's 3' end. VCF-style (leftmost placement, unchanged base first): chr6-31780540-CCGGTT-C. GRCh37 (hg19) VCF-style: chr6-31748317-CCGGTT-C.
Other names: short protein forms N941fs.
Identifiers: ClinVar variation 1334736 (VCV001334736.4), dbSNP rs2151419208, ClinGen allele CA2573052660.

ClinVar aggregate classification (germline): Likely pathogenic (1 of 4 stars; one submission).

Conditions:
Neurodevelopmental disorder with microcephaly, seizures, and cortical atrophy. Identifiers: MedGen C4540493, MONDO:0060621, OMIM 617802.

Submission:

Greenwood Genetic Center Diagnostic Laboratories, Greenwood Genetic Center
Classification: Likely pathogenic for Neurodevelopmental disorder with microcephaly, seizures, and cortical atrophy. Last evaluated: 2021-04-28. Review status: criteria provided, single submitter. Criteria: ACMG Guidelines, 2015. Collection method: clinical testing. Allele origin: germline. Affected: yes.
Comment: PVS1, PM2